The following is an entry in ClinVar:

ClinVar aggregate classification (germline): Likely pathogenic (1 of 4 stars; one submission).

Conditions:
Sotos syndrome (SOTOS). Also called: CEREBRAL GIGANTISM; Sotos' syndrome; Distinctive facial appearance, overgrowth in childhood, and learning disabilities or delayed development; SOTOS SYNDROME 1; CHROMOSOME 5q35 DELETION SYNDROME. Identifiers: Orphanet 821, MedGen C0175695, MONDO:0019349, OMIM 117550.

Submission:

3billion
Classification: Likely pathogenic for Sotos syndrome. Last evaluated: 2025-02-13. Review status: criteria provided, single submitter. Criteria: ACMG Guidelines, 2015. Collection method: clinical testing. Allele origin: germline. Affected: yes.
Comment: The variant is not observed in the gnomAD v4.1.0 dataset. Predicted Consequence/Location: The variant is located in a mutational hot spot and/or well-established functional domain in which established pathogenic variants have been reported (PMID: 12464997). In silico tool predictions suggest damaging effect of the variant on gene or gene product [REVEL: 0.89 (>=0.6, sensitivity 0.68 and specificity 0.92); 3Cnet: 0.99 (>=0.6, sensitivity 0.72 and precision 0.9)]. The same nucleotide change resulting in the same amino acid change has been previously reported to be associated with NSD1-related disorder (PMID: 14517949).A different missense change at the same codon (p.Pro1726Arg) has been reported to be associated with NSD1-related disorder (ClinVar ID: VCV000454055 /PMID: 26690673). Therefore, this variant is classified as Likely pathogenic according to the recommendation of ACMG/AMP guideline.

Literature cited by the submitters: PubMed 14517949; PubMed 26690673.

NM_022455.5(NSD1):c.5177C>T (p.Pro1726Leu)

Gene: NSD1 (nuclear receptor binding SET domain protein 1; plus strand). Cytogenetic location: 5q35.3.
Variant type: single nucleotide variant.
Coding change: c.5177C>T on transcript NM_022455.5 (MANE Select); coding-DNA position 5177, C replaced by T.
Protein change: p.Pro1726Leu; replaces proline 1726 with leucine.
Molecular consequence: missense variant.
Genome position (GRCh38, 1-based): chr5:177,267,592, C>T. VCF-style: chr5-177267592-C-T. GRCh37 (hg19) VCF-style: chr5-176694593-C-T.
Other names: c.4304C>T, p.Pro1435Leu (NM_001365684.2, NM_001409308.1, NM_001409309.1 and 1 more transcripts); c.5177C>T, p.Pro1726Leu (NM_001409301.1, NM_001409302.1, NM_001409303.1); c.4757C>T, p.Pro1586Leu (NM_001409304.1); c.4424C>T, p.Pro1475Leu (NM_001409305.1); c.4415C>T, p.Pro1472Leu (NM_001409306.1, NM_001409307.1); short protein forms P1435L, P1472L, P1475L, P1586L, P1726L.
Identifiers: ClinVar variation 4292886 (VCV004292886.1).
Genomic context (GRCh38, chr5:177,267,592, plus strand): 5'-TCTGAATGCCACATTTTTTTATTCCCACAGGAGGCAGCCTTCTGTGCTGTGATTCTTGCC[C>T]TGCTGCTTTTCATCGTGAATGCCTGAACATTGATATCCCTGAAGGAAACTGGTATTGCAA-3'
Protein context (NP_071900.2, residues 1716-1736): GGSLLCCDSC[Pro1726Leu]AAFHRECLNI